The following is an entry in ClinVar:

NM_024757.5(EHMT1):c.1099G>C (p.Ala367Pro)

Gene: EHMT1 (euchromatic histone lysine methyltransferase 1; plus strand). Cytogenetic location: 9q34.3.
Variant type: single nucleotide variant.
Coding change: c.1099G>C on transcript NM_024757.5 (MANE Select); coding-DNA position 1099, G replaced by C.
Protein change: p.Ala367Pro; replaces alanine 367 with proline.
Molecular consequence: missense variant.
Genome position (GRCh38, 1-based): chr9:137,744,019, G>C. VCF-style: chr9-137744019-G-C. GRCh37 (hg19) VCF-style: chr9-140638471-G-C.
Other names: c.1099G>C, p.Ala367Pro (NM_001145527.2, NM_001354611.2); c.1006G>C, p.Ala336Pro (NM_001354259.2, NM_001354612.2); c.1078G>C, p.Ala360Pro (NM_001354263.2); short protein forms A336P, A360P, A367P.
Identifiers: ClinVar variation 2573618 (VCV002573618.1), dbSNP rs1159924058, ClinGen allele CA375779665.
Genomic context (GRCh38, chr9:137,744,019, plus strand): 5'-GACTCGGATGAGGACGACTCAGAGGAGCTCGAGGAGGACGACGGCCATGGTGCAGAGCAG[G>C]CGGCCGCGTTCCCCACAGAGGACAGCAGGACTTCCAAGGAGAGCATGTCGGAGGCTGATC-3'
Protein context (NP_079033.4, residues 357-377): EEDDGHGAEQ[Ala367Pro]AAFPTEDSRT

ClinVar aggregate classification (germline): Uncertain significance (1 of 4 stars; one submission).

Allele frequency attached by ClinVar (database versions not stated): gnomAD exomes below 0.00001.
gnomAD v4.1: 1 of 1,614,098 alleles (0.000062%); highest among the groups gnomAD compares: Non-Finnish European, 0.000085%; no homozygotes.

Submission:

Women's Health and Genetics/Laboratory Corporation of America, LabCorp
Classification: Uncertain significance. Last evaluated: 2023-06-27. Review status: criteria provided, single submitter. Criteria: LabCorp Variant Classification Summary - May 2015. Collection method: clinical testing. Allele origin: germline.
Comment: Variant summary: EHMT1 c.1099G>C (p.Ala367Pro) results in a non-conservative amino acid change in the encoded protein sequence. Four of five in-silico tools predict a benign effect of the variant on protein function. The variant allele was found at a frequency of 4e-06 in 251162 control chromosomes. The available data on variant occurrences in the general population are insufficient to allow any conclusion about variant significance. To our knowledge, no occurrence of c.1099G>C in individuals affected with Kleefstra Syndrome 1 and no experimental evidence demonstrating its impact on protein function have been reported. No submitters have cited clinical-significance assessments for this variant to ClinVar after 2014. Based on the evidence outlined above, the variant was classified as uncertain significance.